The following is an entry in ClinVar:

ClinVar aggregate classification (germline): Uncertain significance. Review status: criteria provided, multiple submitters, no conflicts (2 of 4 stars). 2 submissions from 2 submitters: Uncertain significance (2). Last evaluated 2024-10-02.

gnomAD v4.1: 1 of 1,614,176 alleles (0.000062%); highest among the groups gnomAD compares: Non-Finnish European, 0.000085%; no homozygotes.

Submissions (2):

GeneDx
Classification: Uncertain significance. Last evaluated: 2024-10-02. Review status: criteria provided, single submitter. Criteria: GeneDx Variant Classification Process June 2021. Collection method: clinical testing. Allele origin: germline. Affected: yes.
Comment: Not observed at significant frequency in large population cohorts (gnomAD); In silico analysis supports that this missense variant has a deleterious effect on protein structure/function; Has not been previously published as pathogenic or benign to our knowledge

Labcorp Genetics (formerly Invitae), Labcorp
Classification: Uncertain significance. Last evaluated: 2022-02-22. Review status: criteria provided, single submitter. Criteria: Invitae Variant Classification Sherloc (09022015). Collection method: clinical testing. Allele origin: germline.
Comment: This variant has not been reported in the literature in individuals affected with SCN3A-related conditions. This sequence change replaces glycine, which is neutral and non-polar, with valine, which is neutral and non-polar, at codon 1073 of the SCN3A protein (p.Gly1073Val). This variant is not present in population databases (gnomAD no frequency). Algorithms developed to predict the effect of missense changes on protein structure and function are either unavailable or do not agree on the potential impact of this missense change (SIFT: "Tolerated"; PolyPhen-2: "Probably Damaging"; Align-GVGD: "Class C0"). In summary, the available evidence is currently insufficient to determine the role of this variant in disease. Therefore, it has been classified as a Variant of Uncertain Significance.

NM_006922.4(SCN3A):c.3218G>T (p.Gly1073Val)

Gene: SCN3A (sodium voltage-gated channel alpha subunit 3; minus strand). Cytogenetic location: 2q24.3.
Variant type: single nucleotide variant.
Coding change: c.3218G>T on transcript NM_006922.4 (MANE Select); coding-DNA position 3218, G replaced by T.
Protein change: p.Gly1073Val; replaces glycine 1073 with valine.
Molecular consequence: missense variant.
Genome position (GRCh38, 1-based): chr2:165,127,806, C>A on the plus strand (G>T on the coding strand, the complement: SCN3A is on the minus strand). VCF-style: chr2-165127806-C-A. GRCh37 (hg19) VCF-style: chr2-165984316-C-A.
Other names: c.3071G>T, p.Gly1024Val (NM_001081676.2, NM_001081677.2); c.3218G>T (NM_006922.3); short protein forms G1024V, G1073V.
Identifiers: ClinVar variation 2100217 (VCV002100217.5), dbSNP rs751031460, ClinGen allele CA349040842.